The following is an entry in ClinVar:

NM_016030.6(TRAPPC12):c.1531-3C>A

Gene: TRAPPC12 (trafficking protein particle complex subunit 12; plus strand). Cytogenetic location: 2p25.3.
Variant type: single nucleotide variant.
Coding change: c.1531-3C>A on transcript NM_016030.6 (MANE Select); 3 bases into the intron before coding-DNA position 1531, C replaced by A.
Molecular consequence: intron variant.
Genome position (GRCh38, 1-based): chr2:3,457,618, C>A. VCF-style: chr2-3457618-C-A. GRCh37 (hg19) VCF-style: chr2-3461389-C-A.
Other names: c.1531-3C>A (NM_001321102.2).
Identifiers: ClinVar variation 1302583 (VCV001302583.2), dbSNP rs199724929, ClinGen allele CA41527761.

ClinVar aggregate classification (germline): Uncertain significance (1 of 4 stars; one submission).

gnomAD v4.1: 5 of 1,612,626 alleles (0.00031%); highest among the groups gnomAD compares: Non-Finnish European, 0.00042%; no homozygotes.

Submission:

GeneDx
Classification: Uncertain significance. Last evaluated: 2022-12-16. Review status: criteria provided, single submitter. Criteria: GeneDx Variant Classification Process June 2021. Collection method: clinical testing. Allele origin: germline. Affected: yes.
Comment: Not observed at significant frequency in large population cohorts (gnomAD); In silico analysis supports a deleterious effect on splicing; This variant is associated with the following publications: (PMID: 36353900)